The following is an entry in ClinVar:

ClinVar aggregate classification (germline): Likely benign (0 of 4 stars; one submission).

Conditions:
MEG3-related disorder. Also called: MEG3-related condition.

Allele frequency attached by ClinVar (database versions not stated): 1000 Genomes Project 30x 0.00031; 1000 Genomes Project 0.00040; gnomAD 0.00121; TOPMed 0.00122; gnomAD exomes 0.00127.
gnomAD v4.1: 435 of 352,058 alleles (0.12%); highest among the groups gnomAD compares: Non-Finnish European, 0.21%; 1 homozygote.

Submission:

PreventionGenetics, part of Exact Sciences
Classification: Likely benign for MEG3-related condition. Last evaluated: 2022-02-28. Review status: no assertion criteria provided. Collection method: clinical testing. Allele origin: germline.
Comment: This variant is classified as likely benign based on ACMG/AMP sequence variant interpretation guidelines (Richards et al. 2015 PMID: 25741868, with internal and published modifications).

NR_046473.1(MEG3):n.1050-132C>A

Gene: MEG3 (maternally expressed 3; plus strand). Cytogenetic location: 14q32.2.
Variant type: single nucleotide variant.
Molecular consequence: intron variant (on NR_046473.1).
Genome position: GRCh38 VCF-style: chr14-100836035-C-A. GRCh37 (hg19) VCF-style: chr14-101302372-C-A.
Identifiers: ClinVar variation 3043544 (VCV003043544.2), dbSNP rs141262576, ClinGen allele CA266861387.